The following is an entry in ClinVar:

NM_014319.5(LEMD3):c.1523-2A>G

Gene: LEMD3 (LEM domain containing 3; plus strand). Cytogenetic location: 12q14.3.
Variant type: single nucleotide variant.
Coding change: c.1523-2A>G on transcript NM_014319.5 (MANE Select); the canonical splice acceptor site of the intron before coding-DNA position 1523, A replaced by G.
Molecular consequence: splice acceptor variant. On other transcripts: intron variant (1).
Genome position (GRCh38, 1-based): chr12:65,210,924, A>G. VCF-style: chr12-65210924-A-G. GRCh37 (hg19) VCF-style: chr12-65604704-A-G.
Other names: c.1523-5A>G (NM_001167614.2).
Identifiers: ClinVar variation 4773515 (VCV004773515.1).
Genomic context (GRCh38, chr12:65,210,924, plus strand): 5'-TGTTTGGGGGATTTTAATTCGTAAGTGATGCTAATACTTGTCTTTTTTTCCTTCCTTGAT[A>G]GTAGAAAACCCCTTTGGTGAAACATTTGGAAAAATACAAGTAAGTAAACGATCATAATAC-3'

ClinVar aggregate classification (germline): Likely pathogenic (1 of 4 stars; one submission).

Submission:

Labcorp Genetics (formerly Invitae), Labcorp
Classification: Likely pathogenic. Last evaluated: 2025-07-09. Review status: criteria provided, single submitter. Criteria: Invitae Variant Classification Sherloc (09022015). Collection method: clinical testing. Allele origin: germline.
Comment: This sequence change affects an acceptor splice site in intron 1 of the LEMD3 gene. It is expected to disrupt RNA splicing. Variants that disrupt the donor or acceptor splice site typically lead to a loss of protein function (PMID: 16199547), and loss-of-function variants in LEMD3 are known to be pathogenic (PMID: 15489854, 19438932). This variant is not present in population databases (gnomAD no frequency). This variant has not been reported in the literature in individuals affected with LEMD3-related conditions. Algorithms developed to predict the effect of sequence changes on RNA splicing suggest that this variant may disrupt the consensus splice site. In summary, the currently available evidence indicates that the variant is pathogenic, but additional data are needed to prove that conclusively. Therefore, this variant has been classified as Likely Pathogenic.

Literature cited by the submitters: PubMed 16199547; PubMed 15489854; PubMed 19438932.